The following is an entry in ClinVar:

ClinVar aggregate classification (germline): Uncertain significance. Review status: criteria provided, multiple submitters, no conflicts (2 of 4 stars). 2 submissions from 2 submitters: Uncertain significance (2). Last evaluated 2025-07-14.

Conditions:
Hereditary cancer-predisposing syndrome. Also called: Tumor predisposition; Hereditary Cancer Syndrome; Neoplastic Syndromes, Hereditary; Hereditary neoplastic syndrome. Identifiers: Orphanet 140162, MedGen C0027672, MeSH D009386, MONDO:0015356.

Allele frequency attached by ClinVar (database versions not stated): gnomAD exomes below 0.00001.
gnomAD v4.1: 1 of 1,614,232 alleles (0.000062%); highest among the groups gnomAD compares: Admixed American, 0.0017%; no homozygotes.

Submissions (2):

Ambry Genetics
Classification: Uncertain significance for Hereditary cancer-predisposing syndrome. Last evaluated: 2025-07-14. Review status: criteria provided, single submitter. Criteria: Ambry Variant Classification Scheme 2023. Collection method: clinical testing. Allele origin: germline.
Comment: The p.Y3379S variant (also known as c.10136A>C), located in coding exon 26 of the BRCA2 gene, results from an A to C substitution at nucleotide position 10136. The tyrosine at codon 3379 is replaced by serine, an amino acid with dissimilar properties. This amino acid position is not well conserved in available vertebrate species. In addition, this alteration is predicted to be tolerated by in silico analysis. Since supporting evidence is limited at this time, the clinical significance of this alteration remains unclear.

Women's Health and Genetics/Laboratory Corporation of America, LabCorp
Classification: Uncertain significance. Last evaluated: 2024-05-16. Review status: criteria provided, single submitter. Criteria: LabCorp Variant Classification Summary - May 2015. Collection method: clinical testing. Allele origin: germline.

NM_000059.4(BRCA2):c.10136A>C (p.Tyr3379Ser)

Gene: BRCA2 (BRCA2 DNA repair associated; plus strand). Cytogenetic location: 13q13.1.
Variant type: single nucleotide variant.
Coding change: c.10136A>C on transcript NM_000059.4 (MANE Select); coding-DNA position 10136, A replaced by C.
Protein change: p.Tyr3379Ser; replaces tyrosine 3379 with serine.
Molecular consequence: missense variant.
Genome position (GRCh38, 1-based): chr13:32,398,649, A>C. VCF-style: chr13-32398649-A-C. GRCh37 (hg19) VCF-style: chr13-32972786-A-C.
Other names: short protein forms Y3379S.
Identifiers: ClinVar variation 821986 (VCV000821986.6), dbSNP rs1412762465, ClinGen allele CA387768118.